The following is an entry in ClinVar:

ClinVar aggregate classification (germline): Uncertain significance (1 of 4 stars; one submission).

Conditions:
T-cell immunodeficiency, congenital alopecia, and nail dystrophy. Also called: Congenital alopecia and nail dystrophy associated with severe functional T-cell immunodeficiency; Pignata Guarino syndrome. Identifiers: Orphanet 169095, MedGen C1866426, MONDO:0011132, OMIM 601705.

Allele frequency attached by ClinVar (database versions not stated): TOPMed below 0.00001; gnomAD exomes 0.00001 and 0.00002; gnomAD 0.00002; ExAC 0.00003.

Submission:

Labcorp Genetics (formerly Invitae), Labcorp
Classification: Uncertain significance for T-cell immunodeficiency, congenital alopecia, and nail dystrophy. Last evaluated: 2025-03-14. Review status: criteria provided, single submitter. Criteria: Invitae Variant Classification Sherloc (09022015). Collection method: clinical testing. Allele origin: germline.
Comment: This sequence change replaces leucine, which is neutral and non-polar, with tryptophan, which is neutral and slightly polar, at codon 471 of the FOXN1 protein (p.Leu471Trp). This variant is present in population databases (rs765619893, gnomAD 0.008%). This variant has not been reported in the literature in individuals affected with FOXN1-related conditions. ClinVar contains an entry for this variant (Variation ID: 658222). Invitae Evidence Modeling of protein sequence and biophysical properties (such as structural, functional, and spatial information, amino acid conservation, physicochemical variation, residue mobility, and thermodynamic stability) indicates that this missense variant is not expected to disrupt FOXN1 protein function with a negative predictive value of 80%. In summary, the available evidence is currently insufficient to determine the role of this variant in disease. Therefore, it has been classified as a Variant of Uncertain Significance.

NM_001369369.1(FOXN1):c.1412T>G (p.Leu471Trp)

Gene: FOXN1 (forkhead box N1; plus strand). Cytogenetic location: 17q11.2.
Variant type: single nucleotide variant.
Coding change: c.1412T>G on transcript NM_001369369.1 (MANE Select); coding-DNA position 1412, T replaced by G.
Protein change: p.Leu471Trp; replaces leucine 471 with tryptophan.
Molecular consequence: missense variant.
Genome position (GRCh38, 1-based): chr17:28,534,983, T>G. VCF-style: chr17-28534983-T-G. GRCh37 (hg19) VCF-style: chr17-26862001-T-G.
Other names: c.1412T>G, p.Leu471Trp (NM_003593.3); short protein forms L471W.
Identifiers: ClinVar variation 658222 (VCV000658222.4), dbSNP rs765619893, ClinGen allele CA8459522.